The following is an entry in ClinVar:

ClinVar aggregate classification (germline): Likely benign. Review status: criteria provided, multiple submitters, no conflicts (2 of 4 stars). 3 submissions from 3 submitters: Likely benign (2). 1 of the submissions does not count toward it. Last evaluated 2025-02-17.

Conditions:
TERT-related disorder. Also called: TERT-related condition; TERT-related disorders.
Idiopathic Pulmonary Fibrosis. Also called: Idiopathic fibrosing alveolitis, chronic form; idiopathic fibrosing alveolitis. Identifiers: Orphanet 2032, MedGen C1800706, MeSH D054990, MONDO:0800504.
Dyskeratosis congenita, autosomal dominant 2. Identifiers: MedGen C3151443, MONDO:0013521, OMIM 613989.
Dyskeratosis congenita. Identifiers: Orphanet 1775, MedGen C0265965, MONDO:0015780.

Allele frequency attached by ClinVar (database versions not stated): gnomAD exomes 0.00002 and 0.00004; TOPMed 0.00002; gnomAD 0.00003 and 0.00002; ESP Exome Variant Server 0.00015; 1000 Genomes Project 30x 0.00016; ExAC 0.00002.
gnomAD v4.1: 34 of 1,614,010 alleles (0.0021%); highest among the groups gnomAD compares: South Asian, 0.014%; no homozygotes.

Submissions (3):

Labcorp Genetics (formerly Invitae), Labcorp
Classification: Likely benign for Dyskeratosis congenita, autosomal dominant 2; Idiopathic Pulmonary Fibrosis. Last evaluated: 2025-02-17. Review status: criteria provided, single submitter. Criteria: Invitae Variant Classification Sherloc (09022015). Collection method: clinical testing. Allele origin: germline.

Ambry Genetics
Classification: Likely benign for Dyskeratosis congenita. Last evaluated: 2017-05-22. Review status: criteria provided, single submitter. Criteria: Ambry Variant Classification Scheme 2023. Collection method: clinical testing. Allele origin: germline.

PreventionGenetics, part of Exact Sciences
Classification: Likely benign for TERT-related condition. Last evaluated: 2023-12-20. Review status: no assertion criteria provided. Collection method: clinical testing. Allele origin: germline. Not counted in ClinVar's aggregate classification.
Comment: This variant is classified as likely benign based on ACMG/AMP sequence variant interpretation guidelines (Richards et al. 2015 PMID: 25741868, with internal and published modifications).

NM_198253.3(TERT):c.1593C>T (p.Ala531=)

Gene: TERT (telomerase reverse transcriptase; minus strand). Cytogenetic location: 5p15.33.
Variant type: single nucleotide variant.
Coding change: c.1593C>T on transcript NM_198253.3 (MANE Select); coding-DNA position 1593, C replaced by T.
Protein change: p.Ala531=; no amino-acid change (alanine 531 retained).
Molecular consequence: synonymous variant. On other transcripts: non-coding transcript variant (2).
Genome position (GRCh38, 1-based): chr5:1,282,605, G>A on the plus strand (C>T on the coding strand, the complement: TERT is on the minus strand). VCF-style: chr5-1282605-G-A. GRCh37 (hg19) VCF-style: chr5-1282720-G-A.
Other names: c.1593C>T, p.Ala531= (NM_001193376.3).
Identifiers: ClinVar variation 697661 (VCV000697661.15), dbSNP rs146462061, ClinGen allele CA3184797.